The following is an entry in ClinVar:

ClinVar aggregate classification (germline): Uncertain significance (1 of 4 stars; one submission).

Conditions:
Primary ciliary dyskinesia 27. Also called: CILIARY DYSKINESIA, PRIMARY, 27, WITHOUT SITUS INVERSUS. Identifiers: Orphanet 244, MedGen C3809701, MONDO:0014215, OMIM 615504.

Allele frequency attached by ClinVar (database versions not stated): ExAC 0.00002; gnomAD 0.00002; 1000 Genomes Project 0.00040; 1000 Genomes Project 30x 0.00062.
gnomAD v4.1: 21 of 1,614,160 alleles (0.0013%); highest among the groups gnomAD compares: South Asian, 0.021%; no homozygotes.

Submission:

Labcorp Genetics (formerly Invitae), Labcorp
Classification: Uncertain significance for Primary ciliary dyskinesia 27. Last evaluated: 2022-03-30. Review status: criteria provided, single submitter. Criteria: Invitae Variant Classification Sherloc (09022015). Collection method: clinical testing. Allele origin: germline.
Comment: This sequence change replaces glutamic acid, which is acidic and polar, with lysine, which is basic and polar, at codon 448 of the CCDC65 protein (p.Glu448Lys). This variant is present in population databases (rs535147502, gnomAD 0.02%). This variant has not been reported in the literature in individuals affected with CCDC65-related conditions. Algorithms developed to predict the effect of missense changes on protein structure and function are either unavailable or do not agree on the potential impact of this missense change (SIFT: "Deleterious"; PolyPhen-2: "Benign"; Align-GVGD: "Class C15"). In summary, the available evidence is currently insufficient to determine the role of this variant in disease. Therefore, it has been classified as a Variant of Uncertain Significance.

NM_033124.5(DRC2):c.1342G>A (p.Glu448Lys)

Gene: DRC2 (dynein regulatory complex subunit 2; plus strand). Cytogenetic location: 12q13.12.
Variant type: single nucleotide variant.
Coding change: c.1342G>A on transcript NM_033124.5 (MANE Select); coding-DNA position 1342, G replaced by A.
Protein change: p.Glu448Lys; replaces glutamic acid 448 with lysine.
Molecular consequence: missense variant.
Genome position (GRCh38, 1-based): chr12:48,921,330, G>A. VCF-style: chr12-48921330-G-A. GRCh37 (hg19) VCF-style: chr12-49315113-G-A.
Other names: c.913G>A, p.Glu305Lys (NM_001286957.2); short protein forms E305K, E448K.
Identifiers: ClinVar variation 2420128 (VCV002420128.6), dbSNP rs535147502, ClinGen allele CA6543501.